The following is an entry in ClinVar:

NM_000540.3(RYR1):c.4707+4C>G

Gene: RYR1 (ryanodine receptor 1; plus strand). Cytogenetic location: 19q13.2.
Variant type: single nucleotide variant.
Coding change: c.4707+4C>G on transcript NM_000540.3 (MANE Select); 4 bases into the intron after coding-DNA position 4707, C replaced by G.
Molecular consequence: intron variant.
Genome position (GRCh38, 1-based): chr19:38,483,117, C>G. VCF-style: chr19-38483117-C-G. GRCh37 (hg19) VCF-style: chr19-38973757-C-G.
Other names: c.4707+4C>G (NM_001042723.2).
Identifiers: ClinVar variation 3387722 (VCV003387722.2).

ClinVar aggregate classification (germline): Uncertain significance. Review status: criteria provided, multiple submitters, no conflicts (2 of 4 stars). 2 submissions from 2 submitters: Uncertain significance (2). Last evaluated 2024-07-29.

Conditions:
Malignant hyperthermia, susceptibility to, 1 (MHS1). Also called: Anesthesia related hyperthermia; Malignant hyperpyrexia; Fulminating hyperpyrexia; Pharmacogenic myopathy; RYR1-Related Malignant Hyperthermia Susceptibility; Malignant hyperthermia suceptibility 1. Identifiers: Orphanet 423, MedGen C2930980, MONDO:0007783, OMIM 145600.

gnomAD v4.1: 1 of 1,613,828 alleles (0.000062%); highest among the groups gnomAD compares: Non-Finnish European, 0.000085%; no homozygotes.

Submissions (2):

All of Us Research Program, National Institutes of Health
Classification: Uncertain significance for Malignant hyperthermia, susceptibility to, 1. Last evaluated: 2024-07-29. Review status: criteria provided, single submitter. Criteria: ACMG Guidelines, 2015. Collection method: clinical testing. Allele origin: germline. Inheritance: Autosomal dominant inheritance. Observed: 1 variant allele, 1 heterozygote.
Comment: This variant causes a C to G nucleotide substitution at the +4 position of intron 32 of the RYR1 gene. To our knowledge, functional studies have not been reported for this variant. This variant has not been reported in individuals affected with RYR1-related disorders in the literature. This variant has not been identified in the general population by the Genome Aggregation Database (gnomAD). The available evidence is insufficient to determine the role of this variant in disease conclusively. Therefore, this variant is classified as a Variant of Uncertain Significance.

This study involves interpretation of variants in research participants for the purpose of population health screening. Participant phenotype was not available at the time of variant classification. Additional details can be found in publication PMID: 35346344, PMCID: PMC8962531

Color Diagnostics, LLC DBA Color Health
Classification: Uncertain significance for Malignant hyperthermia, susceptibility to, 1. Last evaluated: 2024-06-26. Review status: criteria provided, single submitter. Criteria: ACMG Guidelines, 2015. Collection method: clinical testing. Allele origin: germline.
Comment: This variant causes a C to G nucleotide substitution at the +4 position of intron 32 of the RYR1 gene. To our knowledge, functional studies have not been reported for this variant. This variant has not been reported in individuals affected with RYR1-related disorders in the literature. This variant has not been identified in the general population by the Genome Aggregation Database (gnomAD). The available evidence is insufficient to determine the role of this variant in disease conclusively. Therefore, this variant is classified as a Variant of Uncertain Significance.